The following is an entry in ClinVar:

ClinVar aggregate classification (germline): Benign (0 of 4 stars; one submission).

Conditions:
SLC6A17-related disorder. Also called: SLC6A17-related condition.

Allele frequency attached by ClinVar (database versions not stated): ExAC 0.05483; gnomAD 0.13801; TOPMed 0.14989; ESP Exome Variant Server 0.15139; 1000 Genomes Project 0.15535; 1000 Genomes Project 30x 0.16052.
gnomAD v4.1: 54,215 of 1,614,016 alleles (3.4%); highest among the groups gnomAD compares: African/African-American, 45%; 8,110 homozygotes.

Submission:

PreventionGenetics, part of Exact Sciences
Classification: Benign for SLC6A17-related condition. Last evaluated: 2019-10-29. Review status: no assertion criteria provided. Collection method: clinical testing. Allele origin: germline.
Comment: This variant is classified as benign based on ACMG/AMP sequence variant interpretation guidelines (Richards et al. 2015 PMID: 25741868, with internal and published modifications).

NM_001010898.4(SLC6A17):c.2049G>A (p.Glu683=)

Gene: SLC6A17 (solute carrier family 6 member 17; plus strand). Cytogenetic location: 1p13.3.
Variant type: single nucleotide variant.
Coding change: c.2049G>A on transcript NM_001010898.4 (MANE Select); coding-DNA position 2049, G replaced by A.
Protein change: p.Glu683=; no amino-acid change (glutamic acid 683 retained).
Molecular consequence: synonymous variant.
Genome position (GRCh38, 1-based): chr1:110,198,309, G>A. VCF-style: chr1-110198309-G-A. GRCh37 (hg19) VCF-style: chr1-110740931-G-A.
Identifiers: ClinVar variation 3056474 (VCV003056474.2), dbSNP rs6685009, ClinGen allele CA998343.